The following is an entry in ClinVar:

ClinVar aggregate classification (germline): Uncertain significance (1 of 4 stars; one submission).

Submission:

GeneDx
Classification: Uncertain significance. Last evaluated: 2024-04-28. Review status: criteria provided, single submitter. Criteria: GeneDx Variant Classification Process June 2021. Collection method: clinical testing. Allele origin: germline. Affected: yes.
Comment: Not observed at significant frequency in large population cohorts (gnomAD); In silico analysis indicates that this missense variant does not alter protein structure/function; Has not been previously published as pathogenic or benign to our knowledge; This variant is associated with the following publications: (PMID: 11301010)

NM_032043.3(BRIP1):c.2953A>T (p.Ile985Phe)

Gene: BRIP1 (BRCA1 interacting DNA helicase 1; minus strand). Cytogenetic location: 17q23.2.
Variant type: single nucleotide variant.
Coding change: c.2953A>T on transcript NM_032043.3 (MANE Select); coding-DNA position 2953, A replaced by T.
Protein change: p.Ile985Phe; replaces isoleucine 985 with phenylalanine.
Molecular consequence: missense variant.
Genome position (GRCh38, 1-based): chr17:61,684,093, T>A on the plus strand (A>T on the coding strand, the complement: BRIP1 is on the minus strand). VCF-style: chr17-61684093-T-A. GRCh37 (hg19) VCF-style: chr17-59761454-T-A.
Other names: short protein forms I985F.
Identifiers: ClinVar variation 3372985 (VCV003372985.1).